The following is an entry in ClinVar:

NM_001364905.1(LRBA):c.1756-3T>C

Gene: LRBA (LPS responsive beige-like anchor protein; minus strand). Cytogenetic location: 4q31.3.
Variant type: single nucleotide variant.
Coding change: c.1756-3T>C on transcript NM_001364905.1 (MANE Select); 3 bases into the intron before coding-DNA position 1756, T replaced by C.
Molecular consequence: intron variant.
Genome position (GRCh38, 1-based): chr4:150,900,220, A>G on the plus strand (T>C on the coding strand, the complement: LRBA is on the minus strand). VCF-style: chr4-150900220-A-G. GRCh37 (hg19) VCF-style: chr4-151821372-A-G.
Other names: c.1756-3T>C (NM_001367550.1, NM_006726.5, NM_001199282.3 and 2 more transcripts).
Identifiers: ClinVar variation 2003973 (VCV002003973.5), dbSNP rs188000514, ClinGen allele CA3103478.

ClinVar aggregate classification (germline): Uncertain significance. Review status: criteria provided, single submitter (1 of 4 stars). 2 submissions from 2 submitters: Uncertain significance (1). 1 of the submissions does not count toward it. Last evaluated 2022-08-08.

Conditions:
LRBA-related disorder. Also called: LRBA-related condition.
Combined immunodeficiency due to LRBA deficiency. Also called: Common variable immunodeficiency 8, with autoimmunity. Identifiers: Orphanet 445018, MedGen C3553512, MONDO:0013863, OMIM 614700.

Allele frequency attached by ClinVar (database versions not stated): TOPMed below 0.00001; gnomAD 0.00001; gnomAD exomes 0.00001; ExAC 0.00002; 1000 Genomes Project 30x 0.00016; 1000 Genomes Project 0.00020.
gnomAD v4.1: 13 of 1,601,542 alleles (0.00081%); highest among the groups gnomAD compares: African/African-American, 0.0027%; no homozygotes.

Submissions (2):

Labcorp Genetics (formerly Invitae), Labcorp
Classification: Uncertain significance for Combined immunodeficiency due to LRBA deficiency. Last evaluated: 2022-08-08. Review status: criteria provided, single submitter. Criteria: Invitae Variant Classification Sherloc (09022015). Collection method: clinical testing. Allele origin: germline.
Comment: This sequence change falls in intron 13 of the LRBA gene. It does not directly change the encoded amino acid sequence of the LRBA protein. It affects a nucleotide within the consensus splice site. In summary, the available evidence is currently insufficient to determine the role of this variant in disease. Therefore, it has been classified as a Variant of Uncertain Significance. Variants that disrupt the consensus splice site are a relatively common cause of aberrant splicing (PMID: 17576681, 9536098). Algorithms developed to predict the effect of sequence changes on RNA splicing suggest that this variant is not likely to affect RNA splicing. This variant has not been reported in the literature in individuals affected with LRBA-related conditions. This variant is present in population databases (rs188000514, gnomAD 0.002%).

PreventionGenetics, part of Exact Sciences
Classification: Likely benign for LRBA-related condition. Last evaluated: 2019-03-26. Review status: no assertion criteria provided. Collection method: clinical testing. Allele origin: germline. Not counted in ClinVar's aggregate classification.
Comment: This variant is classified as likely benign based on ACMG/AMP sequence variant interpretation guidelines (Richards et al. 2015 PMID: 25741868, with internal and published modifications).

Literature cited by the submitters: PubMed 17576681 (cited by Labcorp Genetics (formerly Invitae), Labcorp); PubMed 9536098 (cited by Labcorp Genetics (formerly Invitae), Labcorp).